The following is an entry in ClinVar:

ClinVar aggregate classification (germline): Benign. Review status: criteria provided, multiple submitters, no conflicts (2 of 4 stars). 10 submissions from 10 submitters: Benign (9). 1 of the submissions does not count toward it. Last evaluated 2026-02-04.

Conditions:
Congenital myasthenic syndrome (CMS). Also called: Congenital Myasthenic Syndromes. Identifiers: Orphanet 590, MedGen C0751882, MeSH D020294, MONDO:0018940.
Congenital myasthenic syndrome 4A. Also called: Myasthenic syndrome, congenital, 4a, slow-channel; CONGENITAL MYASTHENIC SYNDROME TYPE Ia1; MYASTHENIC SYNDROME, CONGENITAL, 4A, SLOW-CHANNEL, AUTOSOMAL RECESSIVE. Identifiers: Orphanet 590, MedGen C4225413, MONDO:0011600, OMIM 605809.

Allele frequency attached by ClinVar (database versions not stated): 1000 Genomes Project 30x 0.04888; 1000 Genomes Project 0.04972; TOPMed 0.06204; ESP Exome Variant Server 0.07004; gnomAD 0.07223 and 0.07330; gnomAD exomes 0.07411 and 0.08507; ExAC 0.07466.
gnomAD v4.1: 134,717 of 1,613,774 alleles (8.3%); highest among the groups gnomAD compares: Non-Finnish European, 9.2%; 6,107 homozygotes.

Submissions (10):

Labcorp Genetics (formerly Invitae), Labcorp
Classification: Benign for Congenital myasthenic syndrome 4A. Last evaluated: 2026-02-04. Review status: criteria provided, single submitter. Criteria: Invitae Variant Classification Sherloc (09022015). Collection method: clinical testing. Allele origin: germline.

Women's Health and Genetics/Laboratory Corporation of America, LabCorp
Classification: Benign. Last evaluated: 2025-06-23. Review status: criteria provided, single submitter. Criteria: LabCorp Variant Classification Summary - May 2015. Collection method: clinical testing. Allele origin: germline.

Blueprint Genetics
Classification: Benign. Last evaluated: 2024-11-28. Review status: criteria provided, single submitter. Criteria: ACMG Guidelines, 2015. Collection method: clinical testing. Allele origin: germline.

Illumina Laboratory Services, Illumina
Classification: Benign for Congenital myasthenic syndrome. Last evaluated: 2018-01-13. Review status: criteria provided, single submitter. Criteria: ICSL Variant Classification Criteria 13 December 2019. Collection method: clinical testing. Allele origin: germline.
Comment: This variant was observed in the ICSL laboratory as part of a predisposition screen in an ostensibly healthy population. It had not been previously curated by ICSL or reported in the Human Gene Mutation Database (HGMD: prior to June 1st, 2018), and was therefore a candidate for classification through an automated scoring system. Utilizing variant allele frequency, disease prevalence and penetrance estimates, and inheritance mode, an automated score was calculated to assess if this variant is too frequent to cause the disease. Based on the score and internal cut-off values, a variant classified as benign is not then subjected to further curation. The score for this variant resulted in a classification of benign for this disease.

Mayo Clinic Laboratories, Mayo Clinic
Classification: Benign. Last evaluated: 2017-10-02. Review status: criteria provided, single submitter. Criteria: ACMG Guidelines, 2015. Collection method: clinical testing. Allele origin: germline. Observed: 57 variant alleles.

GeneDx
Classification: Benign. Last evaluated: 2016-07-29. Review status: criteria provided, single submitter. Criteria: GeneDx Variant Classification (06012015). Collection method: clinical testing. Allele origin: germline. Affected: yes.
Comment: This variant is considered likely benign or benign based on one or more of the following criteria: it is a conservative change, it occurs at a poorly conserved position in the protein, it is predicted to be benign by multiple in silico algorithms, and/or has population frequency not consistent with disease.

Genetic Services Laboratory, University of Chicago
Classification: Benign for AllHighlyPenetrant. Last evaluated: 2013-08-15. Review status: criteria provided, single submitter. Criteria: ACMG Guidelines, 2007. Collection method: clinical testing. Allele origin: germline.

Breakthrough Genomics
Classification: Benign. Review status: criteria provided, single submitter. Criteria: ACMG Guidelines, 2015. Collection method: not provided. Allele origin: germline. Inheritance: Autosomal recessive inheritance. Affected: yes.

PreventionGenetics, part of Exact Sciences
Classification: Benign. Review status: criteria provided, single submitter. Criteria: ACMG Guidelines, 2015. Collection method: clinical testing. Allele origin: germline.

Natera, Inc.
Classification: Benign for Congenital myasthenic syndrome. Last evaluated: 2020-09-16. Review status: no assertion criteria provided. Collection method: clinical testing. Allele origin: germline. Not counted in ClinVar's aggregate classification.

NM_000080.4(CHRNE):c.345-7C>T

Genes: C17orf107 (chromosome 17 open reading frame 107; plus strand), CHRNE (cholinergic receptor nicotinic epsilon subunit; minus strand). Cytogenetic location: 17p13.2.
Variant type: single nucleotide variant.
Coding change: c.345-7C>T on transcript NM_000080.4 (MANE Select); 7 bases into the intron before coding-DNA position 345, C replaced by T.
Molecular consequence: intron variant. On other transcripts: 3 prime UTR variant (1).
Genome position (GRCh38, 1-based): chr17:4,902,094, G>A on the plus strand (C>T on the coding strand, the complement: CHRNE is on the minus strand). VCF-style: chr17-4902094-G-A. GRCh37 (hg19) VCF-style: chr17-4805389-G-A.
Other names: p.?; c.*1561G>A (NM_001145536.2).
Identifiers: ClinVar variation 128765 (VCV000128765.23), dbSNP rs72835059, ClinGen allele CA152413.